The following is an entry in ClinVar:

NM_182972.3(IRF2BP2):c.248C>A (p.Pro83Gln)

Genes: IRF2BP2 (interferon regulatory factor 2 binding protein 2; minus strand), LOC129932812 (ATAC-STARR-seq lymphoblastoid silent region 1977; plus strand). Cytogenetic location: 1q42.3.
Variant type: single nucleotide variant.
Coding change: c.248C>A on transcript NM_182972.3 (MANE Select); coding-DNA position 248, C replaced by A.
Protein change: p.Pro83Gln; replaces proline 83 with glutamine.
Molecular consequence: missense variant.
Genome position (GRCh38, 1-based): chr1:234,609,247, G>T on the plus strand (C>A on the coding strand, the complement: IRF2BP2 is on the minus strand). VCF-style: chr1-234609247-G-T. GRCh37 (hg19) VCF-style: chr1-234744993-G-T.
Other names: c.248C>A, p.Pro83Gln (NM_001077397.1); short protein forms P83Q.
Identifiers: ClinVar variation 4771904 (VCV004771904.1).
Genomic context (GRCh38, chr1:234,609,247, plus strand): 5'-CCGCCGTGGCCAAGCTGCTGCTGCTGCTGCAAAAGGATGTCCTTGGCGGAGAGCGGCGGC[G>T]GCTTGGCGGCGGCCGAGGCCGCGGCGCCGGGTGGGGAGCGACCCTCCGGGAAGCAGCCGT-3'
Protein context (NP_892017.2, residues 73-93): PGAAASAAAK[Pro83Gln]PPLSAKDILL

ClinVar aggregate classification (germline): Uncertain significance (1 of 4 stars; one submission).

gnomAD v4.1: 1 of 1,361,112 alleles (0.000073%); highest among the groups gnomAD compares: Non-Finnish European, 0.000094%; no homozygotes.

Submission:

Labcorp Genetics (formerly Invitae), Labcorp
Classification: Uncertain significance. Last evaluated: 2025-11-04. Review status: criteria provided, single submitter. Criteria: Invitae Variant Classification Sherloc (09022015). Collection method: clinical testing. Allele origin: germline.
Comment: This sequence change replaces proline, which is neutral and non-polar, with glutamine, which is neutral and polar, at codon 83 of the IRF2BP2 protein (p.Pro83Gln). This variant is not present in population databases (gnomAD no frequency). This variant has not been reported in the literature in individuals affected with IRF2BP2-related conditions. An algorithm developed to predict the effect of missense changes on protein structure and function (PolyPhen-2) suggests that this variant is likely to be disruptive. In summary, the available evidence is currently insufficient to determine the role of this variant in disease. Therefore, it has been classified as a Variant of Uncertain Significance.